The following is an entry in ClinVar:

NM_020937.4(FANCM):c.5176C>A (p.Pro1726Thr)

Gene: FANCM (FA complementation group M; plus strand). Cytogenetic location: 14q21.2.
Variant type: single nucleotide variant.
Coding change: c.5176C>A on transcript NM_020937.4 (MANE Select); coding-DNA position 5176, C replaced by A.
Protein change: p.Pro1726Thr; replaces proline 1726 with threonine.
Molecular consequence: missense variant.
Genome position (GRCh38, 1-based): chr14:45,189,198, C>A. VCF-style: chr14-45189198-C-A. GRCh37 (hg19) VCF-style: chr14-45658401-C-A.
Other names: c.5098C>A, p.Pro1700Thr (NM_001308133.2); short protein forms P1700T, P1726T.
Identifiers: ClinVar variation 1710787 (VCV001710787.2), dbSNP rs2139297585, ClinGen allele CA389612801.

ClinVar aggregate classification (germline): Uncertain significance (1 of 4 stars; one submission).

Submission:

GeneDx
Classification: Uncertain significance. Last evaluated: 2022-04-13. Review status: criteria provided, single submitter. Criteria: GeneDx Variant Classification Process June 2021. Collection method: clinical testing. Allele origin: germline. Affected: yes.
Comment: Not observed at significant frequency in large population cohorts (gnomAD); In silico analysis supports that this missense variant does not alter protein structure/function; Has not been previously published as pathogenic or benign to our knowledge